The following is an entry in ClinVar:

NM_020975.6(RET):c.50T>C (p.Leu17Pro)

Gene: RET (ret proto-oncogene; plus strand). Cytogenetic location: 10q11.21.
Variant type: single nucleotide variant.
Coding change: c.50T>C on transcript NM_020975.6 (MANE Select); coding-DNA position 50, T replaced by C.
Protein change: p.Leu17Pro; replaces leucine 17 with proline.
Molecular consequence: missense variant.
Genome position (GRCh38, 1-based): chr10:43,077,308, T>C. VCF-style: chr10-43077308-T-C. GRCh37 (hg19) VCF-style: chr10-43572756-T-C.
Other names: c.50T>C, p.Leu17Pro (NM_000323.2, NM_001406743.1, NM_001406744.1 and 38 more transcripts); short protein forms L17P.
Identifiers: ClinVar variation 1039584 (VCV001039584.10), dbSNP rs1837066964, ClinGen allele CA376768088.

ClinVar aggregate classification (germline): Uncertain significance. Review status: criteria provided, multiple submitters, no conflicts (2 of 4 stars). 2 submissions from 2 submitters: Uncertain significance (2). Last evaluated 2025-09-08.

Conditions:
Multiple endocrine neoplasia, type 2 (MEN2). Identifiers: Orphanet 653, MedGen C4048306, MONDO:0019003. Disease mechanism: gain of function.
Breast carcinoma. Also called: Carcinoma of breast. Identifiers: MedGen C0678222, MONDO:0004989, HP:0003002.
Family history of cancer. Identifiers: MedGen C0260515, HP:0032317.

Submissions (2):

Labcorp Genetics (formerly Invitae), Labcorp
Classification: Uncertain significance for Multiple endocrine neoplasia, type 2. Last evaluated: 2025-09-08. Review status: criteria provided, single submitter. Criteria: Invitae Variant Classification Sherloc (09022015). Collection method: clinical testing. Allele origin: germline.
Comment: This sequence change replaces leucine, which is neutral and non-polar, with proline, which is neutral and non-polar, at codon 17 of the RET protein (p.Leu17Pro). This variant is not present in population databases (gnomAD no frequency). This variant has not been reported in the literature in individuals affected with RET-related conditions. ClinVar contains an entry for this variant (Variation ID: 1039584). An algorithm developed to predict the effect of missense changes on protein structure and function (PolyPhen-2) suggests that this variant is likely to be disruptive. In summary, the available evidence is currently insufficient to determine the role of this variant in disease. Therefore, it has been classified as a Variant of Uncertain Significance.

Laboratorio de Genetica e Diagnostico Molecular, Hospital Israelita Albert Einstein
Classification: Uncertain significance for Breast carcinoma; Family history of cancer. Last evaluated: 2022-01-24. Review status: criteria provided, single submitter. Criteria: ACMG Guidelines, 2015. Collection method: clinical testing. Allele origin: germline. Affected: yes.
Comment: ACMG classification criteria: PM2 moderate